The following is an entry in ClinVar:

NM_198253.3(TERT):c.1615G>C (p.Glu539Gln)

Gene: TERT (telomerase reverse transcriptase; minus strand). Cytogenetic location: 5p15.33.
Variant type: single nucleotide variant.
Coding change: c.1615G>C on transcript NM_198253.3 (MANE Select); coding-DNA position 1615, G replaced by C.
Protein change: p.Glu539Gln; replaces glutamic acid 539 with glutamine.
Molecular consequence: missense variant. On other transcripts: non-coding transcript variant (2).
Genome position (GRCh38, 1-based): chr5:1,282,583, C>G on the plus strand (G>C on the coding strand, the complement: TERT is on the minus strand). VCF-style: chr5-1282583-C-G. GRCh37 (hg19) VCF-style: chr5-1282698-C-G.
Other names: c.1615G>C, p.Glu539Gln (NM_001193376.3); short protein forms E539Q.
Identifiers: ClinVar variation 938650 (VCV000938650.50), dbSNP rs1203927893, ClinGen allele CA359083446.

ClinVar aggregate classification (germline): Uncertain significance. Review status: criteria provided, multiple submitters, no conflicts (2 of 4 stars). 2 submissions from 2 submitters: Uncertain significance (2). Last evaluated 2025-08-31.

Conditions:
Idiopathic Pulmonary Fibrosis. Also called: Idiopathic fibrosing alveolitis, chronic form; idiopathic fibrosing alveolitis. Identifiers: Orphanet 2032, MedGen C1800706, MeSH D054990, MONDO:0800504.
Dyskeratosis congenita, autosomal dominant 2. Identifiers: MedGen C3151443, MONDO:0013521, OMIM 613989.
Dyskeratosis congenita. Identifiers: Orphanet 1775, MedGen C0265965, MONDO:0015780.

gnomAD v4.1: 1 of 1,614,128 alleles (0.000062%); highest among the groups gnomAD compares: Non-Finnish European, 0.000085%; no homozygotes.

Submissions (2):

Ambry Genetics
Classification: Uncertain significance for Dyskeratosis congenita. Last evaluated: 2025-08-31. Review status: criteria provided, single submitter. Criteria: Ambry Variant Classification Scheme 2023. Collection method: clinical testing. Allele origin: germline.
Comment: The p.E539Q variant (also known as c.1615G>C), located in coding exon 3 of the TERT gene, results from a G to C substitution at nucleotide position 1615. The glutamic acid at codon 539 is replaced by glutamine, an amino acid with highly similar properties. This amino acid position is conserved. In addition, this alteration is predicted to be tolerated by in silico analysis. Based on the available evidence, the clinical significance of this variant remains unclear.

Labcorp Genetics (formerly Invitae), Labcorp
Classification: Uncertain significance for Dyskeratosis congenita, autosomal dominant 2; Idiopathic Pulmonary Fibrosis. Last evaluated: 2023-04-15. Review status: criteria provided, single submitter. Criteria: Invitae Variant Classification Sherloc (09022015). Collection method: clinical testing. Allele origin: germline.
Comment: In summary, the available evidence is currently insufficient to determine the role of this variant in disease. Therefore, it has been classified as a Variant of Uncertain Significance. Advanced modeling of protein sequence and biophysical properties (such as structural, functional, and spatial information, amino acid conservation, physicochemical variation, residue mobility, and thermodynamic stability) has been performed at Invitae for this missense variant, however the output from this modeling did not meet the statistical confidence thresholds required to predict the impact of this variant on TERT protein function. ClinVar contains an entry for this variant (Variation ID: 938650). This variant has not been reported in the literature in individuals affected with TERT-related conditions. This variant is not present in population databases (gnomAD no frequency). This sequence change replaces glutamic acid, which is acidic and polar, with glutamine, which is neutral and polar, at codon 539 of the TERT protein (p.Glu539Gln).